The following is an entry in ClinVar:

NM_001035.3(RYR2):c.12211G>A (p.Glu4071Lys)

Gene: RYR2 (ryanodine receptor 2; plus strand). Cytogenetic location: 1q43.
Variant type: single nucleotide variant.
Coding change: c.12211G>A on transcript NM_001035.3 (MANE Select); coding-DNA position 12211, G replaced by A.
Protein change: p.Glu4071Lys; replaces glutamic acid 4071 with lysine.
Molecular consequence: missense variant.
Genome position (GRCh38, 1-based): chr1:237,783,923, G>A. VCF-style: chr1-237783923-G-A. GRCh37 (hg19) VCF-style: chr1-237947223-G-A.
Other names: c.12211G>A (NM_001035.2); short protein forms E4071K.
Identifiers: ClinVar variation 3069629 (VCV003069629.3), dbSNP rs779394700, ClinGen allele CA085149.

ClinVar aggregate classification (germline): Uncertain significance. Review status: criteria provided, multiple submitters, no conflicts (2 of 4 stars). 2 submissions from 2 submitters: Uncertain significance (2). Last evaluated 2025-04-02.

Conditions:
Catecholaminergic polymorphic ventricular tachycardia (CVPT). Also called: Catecholamine-induced polymorphic ventricular tachycardia. Identifiers: Orphanet 3286, MedGen C5574922, MONDO:0017990.

Allele frequency attached by ClinVar (database versions not stated): gnomAD exomes below 0.00001; ExAC 0.00001.
gnomAD v4.1: 2 of 1,613,510 alleles (0.00012%); highest among the groups gnomAD compares: Non-Finnish European, 0.00017%; no homozygotes.

Submissions (2):

GeneDx
Classification: Uncertain significance. Last evaluated: 2025-04-02. Review status: criteria provided, single submitter. Criteria: GeneDx Variant Classification Process June 2021. Collection method: clinical testing. Allele origin: germline. Affected: yes.
Comment: Not observed at significant frequency in large population cohorts (gnomAD); In silico analysis supports that this missense variant has a deleterious effect on protein structure/function; Has not been previously published as pathogenic or benign to our knowledge; Located in one of the three hot-spot regions of the RYR2 gene, where the majority of pathogenic missense variants occur (PMID: 19926015); This variant is associated with the following publications: (PMID: 19926015)

All of Us Research Program, National Institutes of Health
Classification: Uncertain significance for Catecholaminergic polymorphic ventricular tachycardia. Last evaluated: 2024-05-30. Review status: criteria provided, single submitter. Criteria: ACMG Guidelines, 2015. Collection method: clinical testing. Allele origin: germline. Inheritance: Autosomal dominant inheritance. Observed: 2 variant alleles, 2 heterozygotes.
Comment: This missense variant replaces glutamic acid with lysine at codon 4071 of the RYR2 protein. Computational prediction suggests that this variant may have deleterious impact on protein structure and function (internally defined REVEL score threshold >= 0.7, PMID: 27666373). To our knowledge, functional studies have not been reported for this variant. This variant has not been reported in individuals affected with RYR2-related disorders in the literature. This variant has been identified in 2/246962 chromosomes in the general population by the Genome Aggregation Database (gnomAD). The available evidence is insufficient to determine the role of this variant in disease conclusively. Therefore, this variant is classified as a Variant of Uncertain Significance.

This study involves interpretation of variants in research participants for the purpose of population health screening. Participant phenotype was not available at the time of variant classification. Additional details can be found in publication PMID: 35346344, PMCID: PMC8962531